The following is an entry in ClinVar:

ClinVar aggregate classification (germline): Uncertain significance (1 of 4 stars; one submission).

Conditions:
Spastic paraplegia. Identifiers: MedGen C0037772, HP:0001258.

Allele frequency attached by ClinVar (database versions not stated): gnomAD exomes below 0.00001; gnomAD 0.00001; ExAC 0.00002; TOPMed 0.00003; ESP Exome Variant Server 0.00015.
gnomAD v4.1: 9 of 1,613,792 alleles (0.00056%); highest among the groups gnomAD compares: African/African-American, 0.004%; no homozygotes.

Submission:

Labcorp Genetics (formerly Invitae), Labcorp
Classification: Uncertain significance for Spastic paraplegia. Last evaluated: 2022-07-29. Review status: criteria provided, single submitter. Criteria: Invitae Variant Classification Sherloc (09022015). Collection method: clinical testing. Allele origin: germline.
Comment: This sequence change replaces arginine, which is basic and polar, with glutamine, which is neutral and polar, at codon 42 of the AP4S1 protein (p.Arg42Gln). This variant is present in population databases (rs142216642, gnomAD 0.007%). This variant has not been reported in the literature in individuals affected with AP4S1-related conditions. Algorithms developed to predict the effect of missense changes on protein structure and function (SIFT, PolyPhen-2, Align-GVGD) all suggest that this variant is likely to be disruptive. In summary, the available evidence is currently insufficient to determine the role of this variant in disease. Therefore, it has been classified as a Variant of Uncertain Significance.

NM_001128126.3(AP4S1):c.125G>A (p.Arg42Gln)

Gene: AP4S1 (adaptor related protein complex 4 subunit sigma 1; plus strand). Cytogenetic location: 14q12.
Variant type: single nucleotide variant.
Coding change: c.125G>A on transcript NM_001128126.3 (MANE Select); coding-DNA position 125, G replaced by A.
Protein change: p.Arg42Gln; replaces arginine 42 with glutamine.
Molecular consequence: missense variant.
Genome position (GRCh38, 1-based): chr14:31,066,321, G>A. VCF-style: chr14-31066321-G-A. GRCh37 (hg19) VCF-style: chr14-31535527-G-A.
Other names: c.125G>A, p.Arg42Gln (NM_001254726.2, NM_001254727.2, NM_001254728.2 and 2 more transcripts); short protein forms R42Q.
Identifiers: ClinVar variation 2041065 (VCV002041065.1), dbSNP rs142216642, ClinGen allele CA7144147.